The following is an entry in ClinVar:

NM_004304.5(ALK):c.723T>A (p.Phe241Leu)

Gene: ALK (ALK receptor tyrosine kinase; minus strand). Cytogenetic location: 2p23.2.
Variant type: single nucleotide variant.
Coding change: c.723T>A on transcript NM_004304.5 (MANE Select); coding-DNA position 723, T replaced by A.
Protein change: p.Phe241Leu; replaces phenylalanine 241 with leucine.
Molecular consequence: missense variant.
Genome position (GRCh38, 1-based): chr2:29,717,642, A>T on the plus strand (T>A on the coding strand, the complement: ALK is on the minus strand). VCF-style: chr2-29717642-A-T. GRCh37 (hg19) VCF-style: chr2-29940508-A-T.
Other names: c.723T>A (NM_004304.4); short protein forms F241L.
Identifiers: ClinVar variation 1019712 (VCV001019712.9), dbSNP rs146281095, ClinGen allele CA1594887.

ClinVar aggregate classification (germline): Uncertain significance. Review status: criteria provided, multiple submitters, no conflicts (2 of 4 stars). 2 submissions from 2 submitters: Uncertain significance (2). Last evaluated 2024-11-23.

Conditions:
Hereditary cancer-predisposing syndrome. Also called: Hereditary neoplastic syndrome; Neoplastic Syndromes, Hereditary; Tumor predisposition; Hereditary Cancer Syndrome. Identifiers: Orphanet 140162, MedGen C0027672, MeSH D009386, MONDO:0015356.
Neuroblastoma, susceptibility to, 3. Also called: ALK-Related Neuroblastic Tumor Susceptibility. Identifiers: Orphanet 635, MedGen C2751681, MONDO:0013083, OMIM 613014.

Allele frequency attached by ClinVar (database versions not stated): TOPMed below 0.00001; gnomAD 0.00002; ESP Exome Variant Server 0.00008.
gnomAD v4.1: 3 of 1,613,906 alleles (0.00019%); highest among the groups gnomAD compares: African/African-American, 0.004%; no homozygotes.

Submissions (2):

Ambry Genetics
Classification: Uncertain significance for Hereditary cancer-predisposing syndrome. Last evaluated: 2024-11-23. Review status: criteria provided, single submitter. Criteria: Ambry Variant Classification Scheme 2023. Collection method: clinical testing. Allele origin: germline.
Comment: The p.F241L variant (also known as c.723T>A), located in coding exon 2 of the ALK gene, results from a T to A substitution at nucleotide position 723. The phenylalanine at codon 241 is replaced by leucine, an amino acid with highly similar properties. This amino acid position is conserved. In addition, this alteration is predicted to be tolerated by in silico analysis. Based on the available evidence, the clinical significance of this variant remains unclear.

Labcorp Genetics (formerly Invitae), Labcorp
Classification: Uncertain significance for Neuroblastoma, susceptibility to, 3. Last evaluated: 2020-05-20. Review status: criteria provided, single submitter. Criteria: Invitae Variant Classification Sherloc (09022015). Collection method: clinical testing. Allele origin: germline.
Comment: In summary, the available evidence is currently insufficient to determine the role of this variant in disease. Therefore, it has been classified as a Variant of Uncertain Significance. Algorithms developed to predict the effect of missense changes on protein structure and function output the following: SIFT: "Deleterious"; PolyPhen-2: "Benign"; Align-GVGD: "Class C0". The leucine amino acid residue is found in multiple mammalian species, suggesting that this missense change does not adversely affect protein function. These predictions have not been confirmed by published functional studies and their clinical significance is uncertain. This variant has not been reported in the literature in individuals with ALK-related conditions. This variant is present in population databases (rs146281095, ExAC 0.01%). This sequence change replaces phenylalanine with leucine at codon 241 of the ALK protein (p.Phe241Leu). The phenylalanine residue is moderately conserved and there is a small physicochemical difference between phenylalanine and leucine.